The following is an entry in ClinVar:

ClinVar aggregate classification (germline): Uncertain significance (1 of 4 stars; one submission).

Conditions:
Inborn genetic diseases. Identifiers: MedGen C0950123, MeSH D030342.

Allele frequency attached by ClinVar (database versions not stated): gnomAD exomes below 0.00001; TOPMed below 0.00001; gnomAD 0.00001.
gnomAD v4.1: 3 of 1,613,820 alleles (0.00019%); highest among the groups gnomAD compares: African/African-American, 0.004%; no homozygotes.

Submission:

Ambry Genetics
Classification: Uncertain significance for Inborn genetic diseases. Last evaluated: 2023-09-10. Review status: criteria provided, single submitter. Criteria: Ambry Variant Classification Scheme 2023. Collection method: clinical testing. Allele origin: germline.
Comment: The p.D575G variant (also known as c.1724A>G), located in coding exon 15 of the LRRK2 gene, results from an A to G substitution at nucleotide position 1724. The aspartic acid at codon 575 is replaced by glycine, an amino acid with similar properties. This amino acid position is conserved. In addition, this alteration is predicted to be tolerated by in silico analysis. Since supporting evidence is limited at this time, the clinical significance of this alteration remains unclear.

NM_198578.4(LRRK2):c.1724A>G (p.Asp575Gly)

Gene: LRRK2 (leucine rich repeat kinase 2; plus strand). Cytogenetic location: 12q12.
Variant type: single nucleotide variant.
Coding change: c.1724A>G on transcript NM_198578.4 (MANE Select); coding-DNA position 1724, A replaced by G.
Protein change: p.Asp575Gly; replaces aspartic acid 575 with glycine.
Molecular consequence: missense variant.
Genome position (GRCh38, 1-based): chr12:40,274,650, A>G. VCF-style: chr12-40274650-A-G. GRCh37 (hg19) VCF-style: chr12-40668452-A-G.
Other names: short protein forms D575G.
Identifiers: ClinVar variation 2587310 (VCV002587310.2), dbSNP rs1400048729, ClinGen allele CA384403007.